The following is an entry in ClinVar:

ClinVar aggregate classification (germline): Uncertain significance (1 of 4 stars; one submission).

Submission:

Labcorp Genetics (formerly Invitae), Labcorp
Classification: Uncertain significance. Last evaluated: 2022-08-21. Review status: criteria provided, single submitter. Criteria: Invitae Variant Classification Sherloc (09022015). Collection method: clinical testing. Allele origin: germline.
Comment: This variant results in a copy number gain of the genomic region encompassing exon(s) 1-45 of the CPLANE1 gene. This region includes the initiator codon of the gene. This copy number gain extends beyond the assayed region for this gene and therefore may encompass additional genes. As the precise location of this event is unknown, it may be in tandem or it may be located elsewhere in the genome. This variant has not been reported in the literature in individuals affected with CPLANE1-related conditions. In summary, the available evidence is currently insufficient to determine the role of this variant in disease. Therefore, it has been classified as a Variant of Uncertain Significance.

NC_000005.9:g.(?_37138802)_(37371079_?)dup

Genes: CPLANE1 (ciliogenesis and planar polarity effector complex subunit 1; minus strand), NUP155 (nucleoporin 155; minus strand). Cytogenetic location: 5p13.2.
Variant type: Duplication.
Identifiers: ClinVar variation 2426791 (VCV002426791.4).